The following is an entry in ClinVar:

ClinVar aggregate classification (germline): Benign/Likely benign. Review status: criteria provided, multiple submitters, no conflicts (2 of 4 stars). 4 submissions from 4 submitters: Benign (1); Likely benign (3). Last evaluated 2025-03-12.

Conditions:
Hereditary cancer-predisposing syndrome. Also called: Neoplastic Syndromes, Hereditary; Tumor predisposition; Hereditary Cancer Syndrome; Hereditary neoplastic syndrome. Identifiers: Orphanet 140162, MedGen C0027672, MeSH D009386, MONDO:0015356.
Pheochromocytoma. Also called: MAX-Related Hereditary Paraganglioma-Pheochromocytoma Syndrome. Identifiers: Orphanet 29072, MedGen C0031511, MONDO:0008233, OMIM 171300, HP:0002666.
Pheochromocytoma/paraganglioma syndrome 4. Also called: CAROTID BODY TUMORS AND MULTIPLE EXTRAADRENAL PHEOCHROMOCYTOMAS; PARAGANGLIOMA, FAMILIAL MALIGNANT; PARAGANGLIOMAS, HEREDITARY EXTRAADRENAL; PHEOCHROMOCYTOMA, FAMILIAL EXTRAADRENAL; Paragangliomas 4; SDHB-Related Hereditary Paraganglioma-Pheochromocytoma Syndrome (Paragangliomas 4). Identifiers: Orphanet 29072, MedGen C1861848, MONDO:0007273, OMIM 115310.
Gastrointestinal stromal tumor. Also called: Gastrointestinal stromal tumor, somatic; Gastrointestinal stroma tumor. Identifiers: Orphanet 44890, MedGen C0238198, MeSH D046152, MONDO:0011719, OMIM 606764, HP:0100723.
Hereditary pheochromocytoma and paraganglioma. Also called: Hereditary Paraganglioma-Pheochromocytoma Syndromes; Hereditary pheochromocytoma-paraganglioma; Hereditary paragangliomas and pheochromocytomas. Identifiers: Orphanet 29072, MedGen C4274332, MONDO:0017366.

gnomAD v4.1: 11 of 1,613,662 alleles (0.00068%); highest among the groups gnomAD compares: Admixed American, 0.0067%; no homozygotes.

Submissions (4):

Myriad Genetics, Inc.
Classification: Benign for Pheochromocytoma/paraganglioma syndrome 4. Last evaluated: 2025-03-12. Review status: criteria provided, single submitter. Criteria: Myriad Autosomal Dominant, Autosomal Recessive and X-Linked Classification Criteria (2023). Collection method: clinical testing. Allele origin: unknown.
Comment: This variant is considered benign. This variant is a silent/synonymous amino acid change and it is not expected to impact splicing.

Labcorp Genetics (formerly Invitae), Labcorp
Classification: Likely benign for Gastrointestinal stromal tumor; Pheochromocytoma/paraganglioma syndrome 4; Pheochromocytoma. Last evaluated: 2024-12-24. Review status: criteria provided, single submitter. Criteria: Invitae Variant Classification Sherloc (09022015). Collection method: clinical testing. Allele origin: germline.

Ambry Genetics
Classification: Likely benign for Hereditary cancer-predisposing syndrome. Last evaluated: 2023-08-25. Review status: criteria provided, single submitter. Criteria: Ambry Variant Classification Scheme 2023. Collection method: clinical testing. Allele origin: germline.

All of Us Research Program, National Institutes of Health
Classification: Likely benign for Hereditary pheochromocytoma and paraganglioma. Last evaluated: 2023-02-24. Review status: criteria provided, single submitter. Criteria: ACMG Guidelines, 2015. Collection method: clinical testing. Allele origin: germline. Inheritance: Autosomal dominant inheritance. Observed: 1 variant allele, 1 heterozygote.
Comment: This study involves interpretation of variants in research participants for the purpose of population health screening. Participant phenotype was not available at the time of variant classification. Additional details can be found in publication PMID: 35346344, PMCID: PMC8962531

NM_003000.3(SDHB):c.264C>T (p.Thr88=)

Gene: SDHB (succinate dehydrogenase complex iron sulfur subunit B; minus strand). Cytogenetic location: 1p36.13.
Variant type: single nucleotide variant.
Coding change: c.264C>T on transcript NM_003000.3 (MANE Select); coding-DNA position 264, C replaced by T.
Protein change: p.Thr88=; no amino-acid change (threonine 88 retained).
Molecular consequence: synonymous variant.
Genome position (GRCh38, 1-based): chr1:17,033,082, G>A on the plus strand (C>T on the coding strand, the complement: SDHB is on the minus strand). VCF-style: chr1-17033082-G-A. GRCh37 (hg19) VCF-style: chr1-17359577-G-A.
Other names: c.264C>T (NM_003000.2).
Identifiers: ClinVar variation 1645710 (VCV001645710.12), dbSNP rs41310416, ClinGen allele CA18669709.